The following is an entry in ClinVar:

NM_004958.4(MTOR):c.3712A>T (p.Arg1238Trp)

Gene: MTOR (mechanistic target of rapamycin kinase; minus strand). Cytogenetic location: 1p36.22.
Variant type: single nucleotide variant.
Coding change: c.3712A>T on transcript NM_004958.4 (MANE Select); coding-DNA position 3712, A replaced by T.
Protein change: p.Arg1238Trp; replaces arginine 1238 with tryptophan.
Molecular consequence: missense variant.
Genome position (GRCh38, 1-based): chr1:11,209,401, T>A on the plus strand (A>T on the coding strand, the complement: MTOR is on the minus strand). VCF-style: chr1-11209401-T-A. GRCh37 (hg19) VCF-style: chr1-11269458-T-A.
Other names: c.3712A>T, p.Arg1238Trp (NM_001386500.1); c.2464A>T, p.Arg822Trp (NM_001386501.1); c.3712A>T (NM_004958.3); short protein forms R1238W, R822W.
Identifiers: ClinVar variation 1504379 (VCV001504379.9), dbSNP rs1289893491, ClinGen allele CA338370714.

ClinVar aggregate classification (germline): Uncertain significance. Review status: criteria provided, multiple submitters, no conflicts (2 of 4 stars). 2 submissions from 2 submitters: Uncertain significance (2). Last evaluated 2024-10-23.

Allele frequency attached by ClinVar (database versions not stated): gnomAD 0.00001; TOPMed 0.00002.
gnomAD v4.1: 1 of 1,614,076 alleles (0.000062%); highest among the groups gnomAD compares: African/African-American, 0.0013%; no homozygotes.

Submissions (2):

Labcorp Genetics (formerly Invitae), Labcorp
Classification: Uncertain significance. Last evaluated: 2024-10-23. Review status: criteria provided, single submitter. Criteria: Invitae Variant Classification Sherloc (09022015). Collection method: clinical testing. Allele origin: germline.
Comment: This sequence change replaces arginine, which is basic and polar, with tryptophan, which is neutral and slightly polar, at codon 1238 of the MTOR protein (p.Arg1238Trp). This variant is not present in population databases (gnomAD no frequency). This variant has not been reported in the literature in individuals affected with MTOR-related conditions. ClinVar contains an entry for this variant (Variation ID: 1504379). Invitae Evidence Modeling of protein sequence and biophysical properties (such as structural, functional, and spatial information, amino acid conservation, physicochemical variation, residue mobility, and thermodynamic stability) indicates that this missense variant is not expected to disrupt MTOR protein function with a negative predictive value of 95%. In summary, the available evidence is currently insufficient to determine the role of this variant in disease. Therefore, it has been classified as a Variant of Uncertain Significance.

GeneDx
Classification: Uncertain significance. Last evaluated: 2024-04-09. Review status: criteria provided, single submitter. Criteria: GeneDx Variant Classification Process June 2021. Collection method: clinical testing. Allele origin: germline. Affected: yes.
Comment: Not observed at significant frequency in large population cohorts (gnomAD); In silico analysis supports that this missense variant has a deleterious effect on protein structure/function; Has not been previously published as pathogenic or benign to our knowledge